The following is an entry in ClinVar:

NM_006766.5(KAT6A):c.3353-3_3353dup

Gene: KAT6A (lysine acetyltransferase 6A; minus strand). Cytogenetic location: 8p11.21.
Variant type: Duplication.
Coding change: c.3353-3_3353dup on transcript NM_006766.5 (MANE Select); 3 bases into the intron before coding-DNA position 3353 through coding-DNA position 3353, 4 bases duplicated (TAGA; older notation c.3353-3_3353dupTAGA).
Molecular consequence: splice acceptor variant.
Genome position (GRCh38, 1-based): chr8:41,934,867-41,934,870, TCTA duplicated on the plus strand (TAGA on the coding strand, the reverse complement: KAT6A is on the minus strand); duplicating any 4 consecutive bases within chr8:41,934,867-41,934,871 gives the same sequence; the c. name uses the placement nearest the transcript's 3' end. VCF-style (leftmost placement, unchanged base first): chr8-41934866-G-GTCTA. GRCh37 (hg19) VCF-style: chr8-41792384-G-GTCTA.
Other names: c.3353-3_3353dupTAGA (NM_006766.3).
Identifiers: ClinVar variation 450319 (VCV000450319.1), dbSNP rs1554680316, ClinGen allele CA658657767.
Genomic context (GRCh38, chr8:41,934,866, plus strand): 5'-AAGAGGAGAATTCTTCACATCACGTTTTCGCAAAAGAGATACTGGCTTTAAGATAGGAGT[G>GTCTA]TCTATACAGGAAGGAAAAAAAACAAAGACAGGTTACAAGGTCTTACATTTTCTAGTTCCT-3'

ClinVar aggregate classification (germline): Pathogenic (1 of 4 stars; one submission).

Submission:

GeneDx
Classification: Pathogenic. Last evaluated: 2017-06-30. Review status: criteria provided, single submitter. Criteria: GeneDx Variant Classification (06012015). Collection method: clinical testing. Allele origin: germline. Affected: yes.
Comment: The c.3353-3_3353dupTAGA variant in the KAT6A gene has not been reported previously as a pathogenic variant nor as a benign variant, to our knowledge. The c.3353-3_3353dupTAGA variant causes a frameshift starting with codon Threonine 1119, changes this amino acid to an Arginine residue, and creates a premature Stop codon at position 15 of the new reading frame, denoted p.Thr1119ArgfsX15. This variant is predicted to cause loss of normal protein function through protein truncation where the last 886 amino acids are replaced by 14 incorrect amino acids. The c.3353-3_3353dupTAGA variant is not observed in large population cohorts (Lek et al., 2016; 1000 Genomes Consortium et al., 2015; Exome Variant Server). We interpret c.3353-3_3353dupTAGA as a pathogenic variant.